The following is an entry in ClinVar:

NM_002335.4(LRP5):c.3420C>A (p.Asp1140Glu)

Gene: LRP5 (LDL receptor related protein 5; plus strand). Cytogenetic location: 11q13.2.
Variant type: single nucleotide variant.
Coding change: c.3420C>A on transcript NM_002335.4 (MANE Select); coding-DNA position 3420, C replaced by A.
Protein change: p.Asp1140Glu; replaces aspartic acid 1140 with glutamic acid.
Molecular consequence: missense variant.
Genome position (GRCh38, 1-based): chr11:68,425,285, C>A. VCF-style: chr11-68425285-C-A. GRCh37 (hg19) VCF-style: chr11-68192753-C-A.
Other names: c.1677C>A, p.Asp559Glu (NM_001291902.2); short protein forms D1140E, D559E.
Identifiers: ClinVar variation 2799048 (VCV002799048.3), dbSNP rs760112335, ClinGen allele CA6149967.

ClinVar aggregate classification (germline): Uncertain significance (1 of 4 stars; one submission).

Allele frequency attached by ClinVar (database versions not stated): ExAC 0.00001; gnomAD 0.00001.
gnomAD v4.1: 1 of 1,608,320 alleles (0.000062%); highest among the groups gnomAD compares: Non-Finnish European, 0.000085%; no homozygotes.

Submission:

Labcorp Genetics (formerly Invitae), Labcorp
Classification: Uncertain significance. Last evaluated: 2023-10-11. Review status: criteria provided, single submitter. Criteria: Invitae Variant Classification Sherloc (09022015). Collection method: clinical testing. Allele origin: germline.
Comment: This sequence change replaces aspartic acid, which is acidic and polar, with glutamic acid, which is acidic and polar, at codon 1140 of the LRP5 protein (p.Asp1140Glu). The frequency data for this variant in the population databases is considered unreliable, as metrics indicate poor data quality at this position in the gnomAD database. This variant has not been reported in the literature in individuals affected with LRP5-related conditions. Advanced modeling of protein sequence and biophysical properties (such as structural, functional, and spatial information, amino acid conservation, physicochemical variation, residue mobility, and thermodynamic stability) performed at Invitae indicates that this missense variant is not expected to disrupt LRP5 protein function. In summary, the available evidence is currently insufficient to determine the role of this variant in disease. Therefore, it has been classified as a Variant of Uncertain Significance.